The following is an entry in ClinVar:

ClinVar aggregate classification (germline): Uncertain significance (1 of 4 stars; one submission).

gnomAD v4.1: 2 of 1,613,980 alleles (0.00012%); highest among the groups gnomAD compares: Non-Finnish European, 0.00017%; no homozygotes.

Submission:

Ambry Genetics
Classification: Uncertain significance. Last evaluated: 2026-03-23. Review status: criteria provided, single submitter. Criteria: Ambry Variant Classification Scheme 2023. Collection method: clinical testing. Allele origin: germline.
Comment: The p.S357I variant (also known as c.1070G>T), located in coding exon 1 of the TET2 gene, results from a G to T substitution at nucleotide position 1070. The serine at codon 357 is replaced by isoleucine, an amino acid with dissimilar properties. This amino acid position is conserved. In addition, this alteration is predicted to be tolerated by in silico analysis. Based on the available evidence, the clinical significance of this variant remains unclear.

NM_001127208.3(TET2):c.1070G>T (p.Ser357Ile)

Genes: TET2 (tet methylcytosine dioxygenase 2; plus strand), TET2-AS1 (TET2 antisense RNA 1; minus strand). Cytogenetic location: 4q24.
Variant type: single nucleotide variant.
Coding change: c.1070G>T on transcript NM_001127208.3 (MANE Select); coding-DNA position 1070, G replaced by T.
Protein change: p.Ser357Ile; replaces serine 357 with isoleucine.
Molecular consequence: missense variant.
Genome position (GRCh38, 1-based): chr4:105,235,012, G>T. VCF-style: chr4-105235012-G-T. GRCh37 (hg19) VCF-style: chr4-106156169-G-T.
Other names: c.1070G>T, p.Ser357Ile (NM_017628.4); short protein forms S357I.
Identifiers: ClinVar variation 4865505 (VCV004865505.1).